The following is an entry in ClinVar:

ClinVar aggregate classification (germline): Likely benign (1 of 4 stars; one submission).

Submission:

CeGaT Center for Human Genetics Tuebingen
Classification: Likely benign. Last evaluated: 2025-09-01. Review status: criteria provided, single submitter. Criteria: CeGaT Center For Human Genetics Tuebingen Variant Classification Criteria Version 2. Collection method: clinical testing. Allele origin: germline. Affected: yes. Observed: 2 variant alleles.
Comment: COL4A1: PM2:Supporting, BP4, BP7

NM_001845.6(COL4A1):c.2751G>A (p.Arg917=)

Gene: COL4A1 (collagen type IV alpha 1 chain; minus strand). Cytogenetic location: 13q34.
Variant type: single nucleotide variant.
Coding change: c.2751G>A on transcript NM_001845.6 (MANE Select); coding-DNA position 2751, G replaced by A.
Protein change: p.Arg917=; no amino-acid change (arginine 917 retained).
Molecular consequence: synonymous variant.
Genome position (GRCh38, 1-based): chr13:110,177,003, C>T on the plus strand (G>A on the coding strand, the complement: COL4A1 is on the minus strand). VCF-style: chr13-110177003-C-T. GRCh37 (hg19) VCF-style: chr13-110829350-C-T.
Identifiers: ClinVar variation 4281541 (VCV004281541.7).